The following is an entry in ClinVar:

ClinVar aggregate classification (germline): Uncertain significance. Review status: criteria provided, multiple submitters, no conflicts (2 of 4 stars). 2 submissions from 2 submitters: Uncertain significance (2). Last evaluated 2025-12-24.

Allele frequency attached by ClinVar (database versions not stated): gnomAD exomes below 0.00001.
gnomAD v4.1: 5 of 1,613,658 alleles (0.00031%); highest among the groups gnomAD compares: Non-Finnish European, 0.00042%; no homozygotes.

Submissions (2):

Women's Health and Genetics/Laboratory Corporation of America, LabCorp
Classification: Uncertain significance. Last evaluated: 2025-12-24. Review status: criteria provided, single submitter. Criteria: LabCorp Variant Classification Summary - May 2015. Collection method: clinical testing. Allele origin: germline.
Comment: Variant summary: AEBP1 c.2742C>A (p.Asp914Glu) results in a conservative amino acid change in the encoded protein sequence. Algorithms developed to predict the effect of missense changes on protein structure and function are either unavailable or do not agree on the potential impact of this missense change. The variant was absent in 250308 control chromosomes. The available data on variant occurrences in the general population are insufficient to allow any conclusion about variant significance. To our knowledge, no occurrence of c.2742C>A in individuals affected with AEBP1-related conditions and no experimental evidence demonstrating its impact on protein function have been reported. ClinVar contains an entry for this variant (Variation ID: 2193132). Based on the evidence outlined above, the variant was classified as uncertain significance.

Labcorp Genetics (formerly Invitae), Labcorp
Classification: Uncertain significance. Last evaluated: 2022-03-04. Review status: criteria provided, single submitter. Criteria: Invitae Variant Classification Sherloc (09022015). Collection method: clinical testing. Allele origin: germline.
Comment: This sequence change replaces aspartic acid, which is acidic and polar, with glutamic acid, which is acidic and polar, at codon 914 of the AEBP1 protein (p.Asp914Glu). This variant is not present in population databases (gnomAD no frequency). This variant has not been reported in the literature in individuals affected with AEBP1-related conditions. Algorithms developed to predict the effect of missense changes on protein structure and function are either unavailable or do not agree on the potential impact of this missense change (SIFT: "Deleterious"; PolyPhen-2: "Probably Damaging"; Align-GVGD: "Class C0"). In summary, the available evidence is currently insufficient to determine the role of this variant in disease. Therefore, it has been classified as a Variant of Uncertain Significance.

NM_001129.5(AEBP1):c.2742C>A (p.Asp914Glu)

Gene: AEBP1 (AE binding protein 1; plus strand). Cytogenetic location: 7p13.
Variant type: single nucleotide variant.
Coding change: c.2742C>A on transcript NM_001129.5 (MANE Select); coding-DNA position 2742, C replaced by A.
Protein change: p.Asp914Glu; replaces aspartic acid 914 with glutamic acid.
Molecular consequence: missense variant.
Genome position (GRCh38, 1-based): chr7:44,113,284, C>A. VCF-style: chr7-44113284-C-A. GRCh37 (hg19) VCF-style: chr7-44152883-C-A.
Other names: short protein forms D914E.
Identifiers: ClinVar variation 2193132 (VCV002193132.5), dbSNP rs1266582295, ClinGen allele CA367372618.